The following is an entry in ClinVar:

ClinVar aggregate classification (germline): Likely benign. Review status: criteria provided, multiple submitters, no conflicts (2 of 4 stars). 2 submissions from 2 submitters: Likely benign (2). Last evaluated 2025-10-01.

Conditions:
Muscular dystrophy-dystroglycanopathy (congenital with brain and eye anomalies), type a, 8 (MDDGA8). Also called: WALKER-WARBURG SYNDROME OR MUSCLE-EYE-BRAIN DISEASE, GTDC2-RELATED. Identifiers: Orphanet 899, MedGen C3553813, MONDO:0013904, OMIM 614830.

Allele frequency attached by ClinVar (database versions not stated): gnomAD exomes below 0.00001 and 0.00001; ExAC 0.00001; gnomAD 0.00001; TOPMed 0.00001.
gnomAD v4.1: 8 of 1,613,784 alleles (0.0005%); highest among the groups gnomAD compares: South Asian, 0.0022%; no homozygotes.

Submissions (2):

CeGaT Center for Human Genetics Tuebingen
Classification: Likely benign. Last evaluated: 2025-10-01. Review status: criteria provided, single submitter. Criteria: CeGaT Center For Human Genetics Tuebingen Variant Classification Criteria Version 2. Collection method: clinical testing. Allele origin: germline. Affected: yes. Observed: 1 variant allele.
Comment: POMGNT2: BP4, BP7

Labcorp Genetics (formerly Invitae), Labcorp
Classification: Likely benign for Muscular dystrophy-dystroglycanopathy (congenital with brain and eye anomalies), type a, 8. Last evaluated: 2022-08-16. Review status: criteria provided, single submitter. Criteria: Invitae Variant Classification Sherloc (09022015). Collection method: clinical testing. Allele origin: germline.

NM_032806.6(POMGNT2):c.1329C>T (p.Leu443=)

Gene: POMGNT2 (protein O-linked mannose N-acetylglucosaminyltransferase 2 (beta 1,4-); minus strand). Cytogenetic location: 3p22.1.
Variant type: single nucleotide variant.
Coding change: c.1329C>T on transcript NM_032806.6 (MANE Select); coding-DNA position 1329, C replaced by T.
Protein change: p.Leu443=; no amino-acid change (leucine 443 retained).
Molecular consequence: synonymous variant.
Genome position (GRCh38, 1-based): chr3:43,080,103, G>A on the plus strand (C>T on the coding strand, the complement: POMGNT2 is on the minus strand). VCF-style: chr3-43080103-G-A. GRCh37 (hg19) VCF-style: chr3-43121595-G-A.
Identifiers: ClinVar variation 1102111 (VCV001102111.13), dbSNP rs778395477, ClinGen allele CA2339874.
Genomic context (GRCh38, chr3:43,080,103, plus strand): 5'-GCGCCGTATGGTTTGAATGAGGGACGGGATGTCCACCTTGGTGTCCTGGTAGATTCGGAA[G>A]AGCCACTCGGGGTTCCGGCAACAGAGATGCCGTGGGACCTCACGGCTTTGCAGGATACGG-3'
Protein context (NP_116195.2, residues 433-453): RHLCCRNPEW[Leu443=]FRIYQDTKVD